The following is an entry in ClinVar:

NM_020461.4(TUBGCP6):c.2036C>T (p.Ala679Val)

Gene: TUBGCP6 (tubulin gamma complex component 6; minus strand). Cytogenetic location: 22q13.33.
Variant type: single nucleotide variant.
Coding change: c.2036C>T on transcript NM_020461.4 (MANE Select); coding-DNA position 2036, C replaced by T.
Protein change: p.Ala679Val; replaces alanine 679 with valine.
Molecular consequence: missense variant.
Genome position (GRCh38, 1-based): chr22:50,224,540, G>A on the plus strand (C>T on the coding strand, the complement: TUBGCP6 is on the minus strand). VCF-style: chr22-50224540-G-A. GRCh37 (hg19) VCF-style: chr22-50662969-G-A.
Other names: short protein forms A679V.
Identifiers: ClinVar variation 1518842 (VCV001518842.8), dbSNP rs1237453078, ClinGen allele CA412103647.

ClinVar aggregate classification (germline): Uncertain significance (1 of 4 stars; one submission).

Allele frequency attached by ClinVar (database versions not stated): gnomAD exomes below 0.00001; gnomAD 0.00001.
gnomAD v4.1: 3 of 1,614,078 alleles (0.00019%); highest among the groups gnomAD compares: African/African-American, 0.0013%; no homozygotes.

Submission:

Labcorp Genetics (formerly Invitae), Labcorp
Classification: Uncertain significance. Last evaluated: 2024-10-23. Review status: criteria provided, single submitter. Criteria: Invitae Variant Classification Sherloc (09022015). Collection method: clinical testing. Allele origin: germline.
Comment: This sequence change replaces alanine, which is neutral and non-polar, with valine, which is neutral and non-polar, at codon 679 of the TUBGCP6 protein (p.Ala679Val). This variant is present in population databases (no rsID available, gnomAD 0.01%). This variant has not been reported in the literature in individuals affected with TUBGCP6-related conditions. ClinVar contains an entry for this variant (Variation ID: 1518842). An algorithm developed to predict the effect of missense changes on protein structure and function (PolyPhen-2) suggests that this variant is likely to be disruptive. In summary, the available evidence is currently insufficient to determine the role of this variant in disease. Therefore, it has been classified as a Variant of Uncertain Significance.